The following is an entry in ClinVar:

ClinVar aggregate classification (germline): Uncertain significance (1 of 4 stars; one submission).

Allele frequency attached by ClinVar (database versions not stated): ExAC 0.00001; gnomAD 0.00001.
gnomAD v4.1: 99 of 1,614,114 alleles (0.0061%); highest among the groups gnomAD compares: Non-Finnish European, 0.0081%; no homozygotes.

Submission:

Labcorp Genetics (formerly Invitae), Labcorp
Classification: Uncertain significance. Last evaluated: 2025-04-02. Review status: criteria provided, single submitter. Criteria: Invitae Variant Classification Sherloc (09022015). Collection method: clinical testing. Allele origin: germline.
Comment: This sequence change creates a premature translational stop signal (p.Trp1098*) in the ARHGEF10 gene. It is expected to result in an absent or disrupted protein product. However, the current clinical and genetic evidence is not sufficient to establish whether loss-of-function variants in ARHGEF10 cause disease. This variant is present in population databases (rs752269994, gnomAD 0.003%). This variant has not been reported in the literature in individuals affected with ARHGEF10-related conditions. ClinVar contains an entry for this variant (Variation ID: 2888990). In summary, the available evidence is currently insufficient to determine the role of this variant in disease. Therefore, it has been classified as a Variant of Uncertain Significance.

NM_014629.4(ARHGEF10):c.3294G>A (p.Trp1098Ter)

Gene: ARHGEF10 (Rho guanine nucleotide exchange factor 10; plus strand). Cytogenetic location: 8p23.3.
Variant type: single nucleotide variant.
Coding change: c.3294G>A on transcript NM_014629.4 (MANE Select); coding-DNA position 3294, G replaced by A.
Protein change: p.Trp1098Ter; replaces tryptophan 1098 with a stop codon.
Molecular consequence: nonsense.
Genome position (GRCh38, 1-based): chr8:1,945,552, G>A. VCF-style: chr8-1945552-G-A. GRCh37 (hg19) VCF-style: chr8-1893718-G-A.
Other names: c.3180G>A, p.Trp1060Ter (NM_001308152.2); c.3294G>A, p.Trp1098Ter (NM_001308153.3); short protein forms W1060*, W1098*, W1122*.
Identifiers: ClinVar variation 2888990 (VCV002888990.3), dbSNP rs752269994, ClinGen allele CA4601294.
Genomic context (GRCh38, chr8:1,945,552, plus strand): 5'-GGCCCACCAGGAGGAAGGCATGGTGATCTCCCACATGGCCGTGTCCGGCGTCGGGATCTG[G>A]ATTGCCTTCACCTCAGGGTCCACGCTCCGCCTTTTTCACACGGAAACTCTCAAGCACCTG-3'